The following is an entry in ClinVar:

ClinVar aggregate classification (germline): Benign/Likely benign. Review status: criteria provided, multiple submitters, no conflicts (2 of 4 stars). 5 submissions from 5 submitters: Benign (1); Likely benign (4). Last evaluated 2025-11-05.

Conditions:
Cardiovascular phenotype. Identifiers: MedGen CN230736.
Myofibrillar myopathy 4. Also called: Zaspopathy (type). Identifiers: Orphanet 98912, MedGen C4721886, MONDO:0012277, OMIM 609452.

Allele frequency attached by ClinVar (database versions not stated): gnomAD 0.00013; TOPMed 0.00013.
gnomAD v4.1: 55 of 1,614,042 alleles (0.0034%); highest among the groups gnomAD compares: African/African-American, 0.023%; no homozygotes.

Submissions (5):

Labcorp Genetics (formerly Invitae), Labcorp
Classification: Likely benign for Myofibrillar myopathy 4. Last evaluated: 2025-11-05. Review status: criteria provided, single submitter. Criteria: Invitae Variant Classification Sherloc (09022015). Collection method: clinical testing. Allele origin: germline.

GeneDx
Classification: Likely benign. Last evaluated: 2019-11-08. Review status: criteria provided, single submitter. Criteria: GeneDx Variant Classification Process June 2021. Collection method: clinical testing. Allele origin: germline. Affected: yes.

Women's Health and Genetics/Laboratory Corporation of America, LabCorp
Classification: Benign. Last evaluated: 2019-07-12. Review status: criteria provided, single submitter. Criteria: LabCorp Variant Classification Summary - May 2015. Collection method: clinical testing. Allele origin: germline.

Ambry Genetics
Classification: Likely benign for Cardiovascular phenotype. Last evaluated: 2019-02-07. Review status: criteria provided, single submitter. Criteria: Ambry Variant Classification Scheme 2023. Collection method: clinical testing. Allele origin: germline.

Laboratory for Molecular Medicine, Mass General Brigham Personalized Medicine
Classification: Likely benign. Last evaluated: 2013-12-20. Review status: criteria provided, single submitter. Criteria: LMM Criteria. Collection method: clinical testing. Allele origin: germline. Observed: 1 variant allele.
Comment: Ala238Ala in exon 7 of LDB3: This variant is not expected to have clinical signi ficance because it does not alter an amino acid residue and is not located withi n the splice consensus sequence. Ala238Ala in exon 7 of LDB3 (allele frequency = n/a)

NM_007078.3(LDB3):c.714C>T (p.Ala238=)

Gene: LDB3 (LIM domain binding 3; plus strand). Cytogenetic location: 10q23.2.
Variant type: single nucleotide variant.
Coding change: c.714C>T on transcript NM_007078.3 (MANE Select); coding-DNA position 714, C replaced by T.
Protein change: p.Ala238=; no amino-acid change (alanine 238 retained).
Molecular consequence: synonymous variant.
Genome position (GRCh38, 1-based): chr10:86,691,920, C>T. VCF-style: chr10-86691920-C-T. GRCh37 (hg19) VCF-style: chr10-88451677-C-T.
Other names: c.573C>T, p.Ala191= (NM_001080114.2, NM_001368066.1, NM_001368067.1 and 2 more transcripts); c.714C>T, p.Ala238= (NM_001080115.2, NM_001368063.1, NM_001368064.1 and 1 more transcripts); c.918C>T, p.Ala306= (NM_001171610.2, NM_001171611.2).
Identifiers: ClinVar variation 163836 (VCV000163836.19), dbSNP rs727503125, ClinGen allele CA176544.